The following is an entry in ClinVar:

NM_000553.6(WRN):c.2274-5T>A

Gene: WRN (WRN RecQ like helicase; plus strand). Cytogenetic location: 8p12.
Variant type: single nucleotide variant.
Coding change: c.2274-5T>A on transcript NM_000553.6 (MANE Select); 5 bases into the intron before coding-DNA position 2274, T replaced by A.
Molecular consequence: intron variant.
Genome position (GRCh38, 1-based): chr8:31,116,349, T>A. VCF-style: chr8-31116349-T-A. GRCh37 (hg19) VCF-style: chr8-30973865-T-A.
Identifiers: ClinVar variation 1046619 (VCV001046619.5), dbSNP rs1801515852, ClinGen allele CA2499219255.
Genomic context (GRCh38, chr8:31,116,349, plus strand): 5'-ACCAAACGGGTCTGAAGCATGTATAAAGTATATATGTTTGCTCTTTTGTTCTTCTTTTTC[T>A]TTAGTTCCCACTGGGAATTTGAAGGTCCAACAATCATCTACTGTCCTTCTAGAAAAATGA-3'

ClinVar aggregate classification (germline): Uncertain significance (1 of 4 stars; one submission).

Conditions:
Werner syndrome (WRN). Identifiers: Orphanet 902, MedGen C0043119, MONDO:0010196, OMIM 277700.

Submission:

Labcorp Genetics (formerly Invitae), Labcorp
Classification: Uncertain significance for Werner syndrome. Last evaluated: 2022-02-03. Review status: criteria provided, single submitter. Criteria: Invitae Variant Classification Sherloc (09022015). Collection method: clinical testing. Allele origin: germline.
Comment: This variant is not present in population databases (gnomAD no frequency). This sequence change falls in intron 19 of the WRN gene. It does not directly change the encoded amino acid sequence of the WRN protein. This variant has not been reported in the literature in individuals affected with WRN-related conditions. ClinVar contains an entry for this variant (Variation ID: 1046619). Algorithms developed to predict the effect of sequence changes on RNA splicing suggest that this variant may disrupt the consensus splice site. In summary, the available evidence is currently insufficient to determine the role of this variant in disease. Therefore, it has been classified as a Variant of Uncertain Significance.